The following is an entry in ClinVar:

NM_000038.6(APC):c.544A>G (p.Thr182Ala)

Gene: APC (APC regulator of Wnt signaling pathway; plus strand). Cytogenetic location: 5q22.2.
Variant type: single nucleotide variant.
Coding change: c.544A>G on transcript NM_000038.6 (MANE Select); coding-DNA position 544, A replaced by G.
Protein change: p.Thr182Ala; replaces threonine 182 with alanine.
Molecular consequence: missense variant. On other transcripts: 5 prime UTR variant (1).
Genome position (GRCh38, 1-based): chr5:112,780,802, A>G. VCF-style: chr5-112780802-A-G. GRCh37 (hg19) VCF-style: chr5-112116499-A-G.
Other names: c.544A>G, p.Thr182Ala (NM_001127510.3, NM_001354895.2, NM_001354896.2 and 2 more transcripts); c.574A>G, p.Thr192Ala (NM_001127511.3, NM_001354897.2, NM_001354902.2); c.469A>G, p.Thr157Ala (NM_001354898.2, NM_001354904.2); c.367A>G, p.Thr123Ala (NM_001354900.2, NM_001354901.2, NM_001354905.2); c.-492A>G (NM_001354906.2); short protein forms T123A, T157A, T182A, T192A.
Identifiers: ClinVar variation 1171356 (VCV001171356.11), dbSNP rs1256814873, ClinGen allele CA16022520.

ClinVar aggregate classification (germline): Uncertain significance. Review status: criteria provided, multiple submitters, no conflicts (2 of 4 stars). 3 submissions from 3 submitters: Uncertain significance (3). Last evaluated 2025-07-21.

Conditions:
Hereditary cancer-predisposing syndrome. Also called: Tumor predisposition; Hereditary neoplastic syndrome; Hereditary Cancer Syndrome; Neoplastic Syndromes, Hereditary. Identifiers: Orphanet 140162, MedGen C0027672, MeSH D009386, MONDO:0015356.
Familial adenomatous polyposis 1 (FAP1). Also called: FAMILIAL ADENOMATOUS POLYPOSIS 1, ATTENUATED; POLYPOSIS, ADENOMATOUS INTESTINAL. Identifiers: MedGen C2713442, MONDO:0021056, OMIM 175100. Disease mechanism: loss of function.

Allele frequency attached by ClinVar (database versions not stated): gnomAD exomes below 0.00001.
gnomAD v4.1: 2 of 1,611,226 alleles (0.00012%); highest among the groups gnomAD compares: Non-Finnish European, 0.00017%; no homozygotes.

Submissions (3):

Labcorp Genetics (formerly Invitae), Labcorp
Classification: Uncertain significance for Familial adenomatous polyposis 1. Last evaluated: 2025-07-21. Review status: criteria provided, single submitter. Criteria: Invitae Variant Classification Sherloc (09022015). Collection method: clinical testing. Allele origin: germline.
Comment: This sequence change replaces threonine, which is neutral and polar, with alanine, which is neutral and non-polar, at codon 182 of the APC protein (p.Thr182Ala). This variant is not present in population databases (gnomAD no frequency). This variant has not been reported in the literature in individuals affected with APC-related conditions. ClinVar contains an entry for this variant (Variation ID: 1171356). Invitae Evidence Modeling of protein sequence and biophysical properties (such as structural, functional, and spatial information, amino acid conservation, physicochemical variation, residue mobility, and thermodynamic stability) indicates that this missense variant is not expected to disrupt APC protein function with a negative predictive value of 95%. In summary, the available evidence is currently insufficient to determine the role of this variant in disease. Therefore, it has been classified as a Variant of Uncertain Significance.

Ambry Genetics
Classification: Uncertain significance for Hereditary cancer-predisposing syndrome. Last evaluated: 2024-09-03. Review status: criteria provided, single submitter. Criteria: Ambry Variant Classification Scheme 2023. Collection method: clinical testing. Allele origin: germline.
Comment: The p.T182A variant (also known as c.544A>G), located in coding exon 5 of the APC gene, results from an A to G substitution at nucleotide position 544. The threonine at codon 182 is replaced by alanine, an amino acid with similar properties. This amino acid position is highly conserved in available vertebrate species. In addition, in silico predictors for this gene do not accurately predict pathogenicity. Since supporting evidence is limited at this time, the clinical significance of this alteration remains unclear.

Color Diagnostics, LLC DBA Color Health
Classification: Uncertain significance for Hereditary cancer-predisposing syndrome. Last evaluated: 2024-03-06. Review status: criteria provided, single submitter. Criteria: ACMG Guidelines, 2015. Collection method: clinical testing. Allele origin: germline.
Comment: This missense variant replaces threonine with alanine at codon 182 of the APC protein. Computational prediction is inconclusive regarding the impact of this variant on protein structure and function (internally defined REVEL score threshold 0.5 < inconclusive < 0.7, PMID: 27666373). To our knowledge, functional studies have not been reported for this variant. This variant has not been reported in individuals affected with hereditary cancer in the literature. This variant has not been identified in the general population by the Genome Aggregation Database (gnomAD). The available evidence is insufficient to determine the role of this variant in disease conclusively. Therefore, this variant is classified as a Variant of Uncertain Significance.